The following is an entry in ClinVar:

ClinVar aggregate classification (germline): Uncertain significance (1 of 4 stars; one submission).

gnomAD v4.1: 1 of 1,607,002 alleles (0.000062%); highest among the groups gnomAD compares: Non-Finnish European, 0.000085%; no homozygotes.

Submission:

GeneDx
Classification: Uncertain significance. Last evaluated: 2024-08-10. Review status: criteria provided, single submitter. Criteria: GeneDx Variant Classification Process June 2021. Collection method: clinical testing. Allele origin: germline. Affected: yes.
Comment: Not observed at significant frequency in large population cohorts (gnomAD); In silico analysis supports that this missense variant has a deleterious effect on protein structure/function; Has not been previously published as pathogenic or benign to our knowledge

NM_001377142.1(PLCB4):c.1915G>A (p.Gly639Ser)

Gene: PLCB4 (phospholipase C beta 4; plus strand). Cytogenetic location: 20p12.2.
Variant type: single nucleotide variant.
Coding change: c.1915G>A on transcript NM_001377142.1 (MANE Select); coding-DNA position 1915, G replaced by A.
Protein change: p.Gly639Ser; replaces glycine 639 with serine.
Molecular consequence: missense variant.
Genome position (GRCh38, 1-based): chr20:9,409,097, G>A. VCF-style: chr20-9409097-G-A. GRCh37 (hg19) VCF-style: chr20-9389744-G-A.
Other names: c.1879G>A, p.Gly627Ser (NM_000933.4, NM_001377134.2, NM_001377135.1 and 2 more transcripts); c.1915G>A, p.Gly639Ser (NM_001172646.2, NM_001377143.1); short protein forms G627S, G639S.
Identifiers: ClinVar variation 3602897 (VCV003602897.1).